The following is an entry in ClinVar:

ClinVar aggregate classification (germline): Uncertain significance (1 of 4 stars; one submission).

Conditions:
Autosomal dominant limb-girdle muscular dystrophy type 1D (DNAJB6) (LGMDD1). Also called: Autosomal dominant limb-girdle muscular dystrophy type 1D; Muscular dystrophy, limb-girdle, autosomal dominant 1; MUSCULAR DYSTROPHY, AUTOSOMAL DOMINANT, WITH RIMMED VACUOLES; MUSCULAR DYSTROPHY, LIMB-GIRDLE, TYPE 1D. Identifiers: Orphanet 34516, MedGen C4721885, MONDO:0021018, OMIM 603511.

Submission:

Labcorp Genetics (formerly Invitae), Labcorp
Classification: Uncertain significance for Autosomal dominant limb-girdle muscular dystrophy type 1D (DNAJB6). Last evaluated: 2023-12-09. Review status: criteria provided, single submitter. Criteria: Invitae Variant Classification Sherloc (09022015). Collection method: clinical testing. Allele origin: germline.
Comment: This sequence change falls in intron 7 of the DNAJB6 gene. It does not directly change the encoded amino acid sequence of the DNAJB6 protein. Information on the frequency of this variant in the gnomAD database is not available, as this variant may be reported differently in the database. This variant has not been reported in the literature in individuals affected with DNAJB6-related conditions. Experimental studies and prediction algorithms are not available or were not evaluated, and the effect of this variant on mRNA splicing is currently unknown. In summary, the available evidence is currently insufficient to determine the role of this variant in disease. Therefore, it has been classified as a Variant of Uncertain Significance.

NM_058246.4(DNAJB6):c.621-17_621-16delinsTG

Gene: DNAJB6 (DnaJ heat shock protein family (Hsp40) member B6; plus strand). Cytogenetic location: 7q36.3.
Variant type: Indel.
Coding change: c.621-17_621-16delinsTG on transcript NM_058246.4 (MANE Select); 17 bases into the intron before coding-DNA position 621 through 16 bases into the intron before coding-DNA position 621, GA replaced by TG.
Molecular consequence: intron variant.
Genome position (GRCh38, 1-based): chr7:157,385,524-157,385,525, GA replaced by TG. VCF-style: chr7-157385524-GA-TG. GRCh37 (hg19) VCF-style: chr7-157178218-GA-TG.
Other names: c.346+18041_346+18042delinsTG (NM_001363676.1); c.621-17_621-16delinsTG (NM_005494.3).
Identifiers: ClinVar variation 2961881 (VCV002961881.3), dbSNP rs2536101536, ClinGen allele CA2740094959.
Genomic context (GRCh38, chr7:157,385,524, plus strand): 5'-TCCTTAAACAACTTAGTTACCCTCACACATGCATTTTCTTTACCAGAAAGGTTTTTAAAT[GA>TG]ATTTTTTTCCTACAGAATTGTCGAGAACGGTCAAGAAAGAGTAGAAGTTGAAGAAGATGG-3'